The following is an entry in ClinVar:

ClinVar aggregate classification (germline): Uncertain significance (1 of 4 stars; one submission).

gnomAD v4.1: 1 of 1,613,784 alleles (0.000062%); highest among the groups gnomAD compares: Non-Finnish European, 0.000085%; no homozygotes.

Submission:

Labcorp Genetics (formerly Invitae), Labcorp
Classification: Uncertain significance. Last evaluated: 2025-09-10. Review status: criteria provided, single submitter. Criteria: Invitae Variant Classification Sherloc (09022015). Collection method: clinical testing. Allele origin: germline.
Comment: This sequence change replaces histidine, which is basic and polar, with arginine, which is basic and polar, at codon 1077 of the ALPK1 protein (p.His1077Arg). This variant is not present in population databases (gnomAD no frequency). This variant has not been reported in the literature in individuals affected with ALPK1-related conditions. ClinVar contains an entry for this variant (Variation ID: 3649324). Invitae Evidence Modeling of protein sequence and biophysical properties (such as structural, functional, and spatial information, amino acid conservation, physicochemical variation, residue mobility, and thermodynamic stability) indicates that this missense variant is not expected to disrupt ALPK1 protein function with a negative predictive value of 80%. In summary, the available evidence is currently insufficient to determine the role of this variant in disease. Therefore, it has been classified as a Variant of Uncertain Significance.

NM_025144.4(ALPK1):c.3230A>G (p.His1077Arg)

Gene: ALPK1 (alpha kinase 1; plus strand). Cytogenetic location: 4q25.
Variant type: single nucleotide variant.
Coding change: c.3230A>G on transcript NM_025144.4 (MANE Select); coding-DNA position 3230, A replaced by G.
Protein change: p.His1077Arg; replaces histidine 1077 with arginine.
Molecular consequence: missense variant.
Genome position (GRCh38, 1-based): chr4:112,438,525, A>G. VCF-style: chr4-112438525-A-G. GRCh37 (hg19) VCF-style: chr4-113359681-A-G.
Other names: c.3230A>G, p.His1077Arg (NM_001102406.2); c.2996A>G, p.His999Arg (NM_001253884.2); short protein forms H1077R, H999R.
Identifiers: ClinVar variation 3649324 (VCV003649324.2).